The following is an entry in ClinVar:

ClinVar aggregate classification (germline): Uncertain significance (1 of 4 stars; one submission).

gnomAD v4.1: 13 of 1,613,336 alleles (0.00081%); highest among the groups gnomAD compares: South Asian, 0.0099%; no homozygotes.

Submission:

Labcorp Genetics (formerly Invitae), Labcorp
Classification: Uncertain significance. Last evaluated: 2025-02-06. Review status: criteria provided, single submitter. Criteria: Invitae Variant Classification Sherloc (09022015). Collection method: clinical testing. Allele origin: germline.
Comment: This sequence change replaces proline, which is neutral and non-polar, with serine, which is neutral and polar, at codon 161 of the COL13A1 protein (p.Pro161Ser). This variant is present in population databases (no rsID available, gnomAD 0.007%). This variant has not been reported in the literature in individuals affected with COL13A1-related conditions. An algorithm developed to predict the effect of missense changes on protein structure and function (PolyPhen-2) suggests that this variant is likely to be disruptive. In summary, the available evidence is currently insufficient to determine the role of this variant in disease. Therefore, it has been classified as a Variant of Uncertain Significance.

NM_001368882.1(COL13A1):c.508C>T (p.Pro170Ser)

Gene: COL13A1 (collagen type XIII alpha 1 chain; plus strand). Cytogenetic location: 10q22.1.
Variant type: single nucleotide variant.
Coding change: c.508C>T on transcript NM_001368882.1 (MANE Select); coding-DNA position 508, C replaced by T.
Protein change: p.Pro170Ser; replaces proline 170 with serine.
Molecular consequence: missense variant. On other transcripts: 5 prime UTR variant (1), intron variant (5).
Genome position (GRCh38, 1-based): chr10:69,880,548, C>T. VCF-style: chr10-69880548-C-T. GRCh37 (hg19) VCF-style: chr10-71640304-C-T.
Other names: c.481C>T, p.Pro161Ser (NM_001130103.2, NM_080800.4, NM_080801.4 and 1 more transcripts); c.508C>T, p.Pro170Ser (NM_001320951.2, NM_001368884.1); c.472C>T, p.Pro158Ser (NM_001368883.1, NM_001368885.1); c.-93C>T (NM_001368886.1); c.418C>T, p.Pro140Ser (NM_001368895.1); c.400-6908C>T (NM_080805.4, NM_001368897.1); c.373-6908C>T (NM_001368898.1, NM_080798.4, NM_001368896.1); short protein forms P140S, P158S, P161S, P170S.
Identifiers: ClinVar variation 3614068 (VCV003614068.2).